The following is an entry in ClinVar:

NM_001371623.1(TCOF1):c.4294G>A (p.Gly1432Arg)

Gene: TCOF1 (treacle ribosome biogenesis factor 1; plus strand). Cytogenetic location: 5q32.
Variant type: single nucleotide variant.
Coding change: c.4294G>A on transcript NM_001371623.1 (MANE Select); coding-DNA position 4294, G replaced by A.
Protein change: p.Gly1432Arg; replaces glycine 1432 with arginine.
Molecular consequence: missense variant.
Genome position (GRCh38, 1-based): chr5:150,396,791, G>A. VCF-style: chr5-150396791-G-A. GRCh37 (hg19) VCF-style: chr5-149776354-G-A.
Other names: c.4060G>A, p.Gly1354Arg (NM_000356.4); c.4291G>A, p.Gly1431Arg (NM_001135243.2); c.4180G>A, p.Gly1394Arg (NM_001135244.2); c.4063G>A, p.Gly1355Arg (NM_001135245.2); c.4177G>A, p.Gly1393Arg (NM_001195141.2); short protein forms G1354R, G1355R, G1393R, G1394R, G1431R, G1432R.
Identifiers: ClinVar variation 3363545 (VCV003363545.1).

ClinVar aggregate classification (germline): Uncertain significance (1 of 4 stars; one submission).

gnomAD v4.1: 2 of 1,610,844 alleles (0.00012%); highest among the groups gnomAD compares: African/African-American, 0.0027%; no homozygotes.

Submission:

GeneDx
Classification: Uncertain significance. Last evaluated: 2023-11-06. Review status: criteria provided, single submitter. Criteria: GeneDx Variant Classification Process June 2021. Collection method: clinical testing. Allele origin: germline. Affected: yes.
Comment: Not observed at significant frequency in large population cohorts (gnomAD); In silico analysis supports that this missense variant has a deleterious effect on protein structure/function; Has not been previously published as pathogenic or benign to our knowledge